The following is an entry in ClinVar:

NM_080764.4(ZNF280B):c.1527T>C (p.Pro509=)

Genes: IGL (immunoglobulin lambda locus; plus strand), ZNF280B (zinc finger protein 280B; minus strand). Cytogenetic location: 22q11.22.
Variant type: single nucleotide variant.
Coding change: c.1527T>C on transcript NM_080764.4 (MANE Select); coding-DNA position 1527, T replaced by C.
Protein change: p.Pro509=; no amino-acid change (proline 509 retained).
Molecular consequence: synonymous variant. On other transcripts: non-coding transcript variant (1).
Genome position (GRCh38, 1-based): chr22:22,487,872, A>G on the plus strand (T>C on the coding strand, the complement: ZNF280B is on the minus strand). VCF-style: chr22-22487872-A-G. GRCh37 (hg19) VCF-style: chr22-22842197-A-G.
Identifiers: ClinVar variation 4873137 (VCV004873137.2).
Genomic context (GRCh38, chr22:22,487,872, plus strand): 5'-TGGTTCAGAGTCAGATGTGCTCACAGTTATGGATGCTACATCCACTGATCCTGGCTGAAG[A>G]GGTTCCAGCGACACTTGAATAGTAACTTTTGTTTCAGGAGGTAATCCTTCTAGTTGCTTA-3'
Protein context (NP_542942.2, residues 499-519): TKVTIQVSLE[Pro509=]LQPGSVDVAS

ClinVar aggregate classification (germline): Likely benign (1 of 4 stars; one submission).

gnomAD v4.1: 5 of 1,613,814 alleles (0.00031%); highest among the groups gnomAD compares: Non-Finnish European, 0.00042%; no homozygotes.

Submission:

CeGaT Center for Human Genetics Tuebingen
Classification: Likely benign. Last evaluated: 2026-05-01. Review status: criteria provided, single submitter. Criteria: CeGaT Center For Human Genetics Tuebingen Variant Classification Criteria Version 2. Collection method: clinical testing. Allele origin: germline. Affected: yes. Observed: 1 variant allele.
Comment: ZNF280B: BP4, BP7